The following is an entry in ClinVar:

ClinVar aggregate classification (germline): Uncertain significance. Review status: criteria provided, multiple submitters, no conflicts (2 of 4 stars). 3 submissions from 3 submitters: Uncertain significance (3). Last evaluated 2026-04-22.

Conditions:
Normophosphatemic familial tumoral calcinosis. Also called: CALCINOSIS, TUMORAL, WITH NORMOPHOSPHATEMIA. Identifiers: Orphanet 306658, Orphanet 53715, MedGen C1864861, MONDO:0012502, OMIM 610455.

Allele frequency attached by ClinVar (database versions not stated): gnomAD exomes below 0.00001; TOPMed below 0.00001.

Submissions (3):

Myriad Genetics, Inc.
Classification: Uncertain significance for Normophosphatemic familial tumoral calcinosis. Last evaluated: 2026-04-22. Review status: criteria provided, single submitter. Criteria: Myriad Autosomal Dominant, Autosomal Recessive and X-Linked Classification Criteria (2023). Collection method: clinical testing. Allele origin: unknown.
Comment: NM_017654.3(SAMD9):c.2032T>C(S678P) is a missense variant classified as a variant of uncertain significance in the context of normophosphatemic familial tumoral calcinosis. S678P has been observed in a case with relevant disease (PMID: 34906475). Relevant functional assessments of this variant are not available in the literature. S678P has not been observed in referenced population frequency databases. In summary, there is insufficient evidence to classify NM_017654.3(SAMD9):c.2032T>C(S678P) as pathogenic or benign. Please note: this variant was assessed in the context of healthy population screening.

Labcorp Genetics (formerly Invitae), Labcorp
Classification: Uncertain significance. Last evaluated: 2025-08-01. Review status: criteria provided, single submitter. Criteria: Invitae Variant Classification Sherloc (09022015). Collection method: clinical testing. Allele origin: germline.
Comment: This sequence change replaces serine, which is neutral and polar, with proline, which is neutral and non-polar, at codon 678 of the SAMD9 protein (p.Ser678Pro). This variant is not present in population databases (gnomAD no frequency). This variant has not been reported in the literature in individuals affected with SAMD9-related conditions. ClinVar contains an entry for this variant (Variation ID: 1436391). Invitae Evidence Modeling of protein sequence and biophysical properties (such as structural, functional, and spatial information, amino acid conservation, physicochemical variation, residue mobility, and thermodynamic stability) indicates that this missense variant is not expected to disrupt SAMD9 protein function with a negative predictive value of 95%. In summary, the available evidence is currently insufficient to determine the role of this variant in disease. Therefore, it has been classified as a Variant of Uncertain Significance.

GeneDx
Classification: Uncertain significance. Last evaluated: 2024-07-02. Review status: criteria provided, single submitter. Criteria: GeneDx Variant Classification Process June 2021. Collection method: clinical testing. Allele origin: germline. Affected: yes.
Comment: Not observed at significant frequency in large population cohorts (gnomAD); In silico analysis indicates that this missense variant does not alter protein structure/function; Co-observed with another SAMD9 variant in an individual with ectopic mineralization (PMID: 34906475); This variant is associated with the following publications: (PMID: 34906475)

Literature cited by the submitters: PubMed 34906475 (cited by Myriad Genetics, Inc.).

NM_017654.4(SAMD9):c.2032T>C (p.Ser678Pro)

Gene: SAMD9 (sterile alpha motif domain containing 9; minus strand). Cytogenetic location: 7q21.2.
Variant type: single nucleotide variant.
Coding change: c.2032T>C on transcript NM_017654.4 (MANE Select); coding-DNA position 2032, T replaced by C.
Protein change: p.Ser678Pro; replaces serine 678 with proline.
Molecular consequence: missense variant.
Genome position (GRCh38, 1-based): chr7:93,104,066, A>G on the plus strand (T>C on the coding strand, the complement: SAMD9 is on the minus strand). VCF-style: chr7-93104066-A-G. GRCh37 (hg19) VCF-style: chr7-92733379-A-G.
Other names: c.2032T>C, p.Ser678Pro (NM_001193307.2); c.2032T>C (NM_017654.3); short protein forms S678P.
Identifiers: ClinVar variation 1436391 (VCV001436391.6), dbSNP rs766374544, ClinGen allele CA161992291.
Genomic context (GRCh38, chr7:93,104,066, plus strand): 5'-AAGAGAAGTAGAAGTTCCACCATGACACTTTGCCACCTCGATAGAAGTCTTCCTCTTTTG[A>G]TGCCTTGAATTCAAGGAATTTATTTTTGTCCTTCTCTAACAGTGTACCCTCACATTCATT-3'
Protein context (NP_060124.2, residues 668-688): DKNKFLEFKA[Ser678Pro]KEEDFYRGGK